The following is an entry in ClinVar:

ClinVar aggregate classification (germline): Likely benign. Review status: criteria provided, multiple submitters, no conflicts (2 of 4 stars). 4 submissions from 4 submitters: Likely benign (4). Last evaluated 2026-01-03.

Conditions:
Cardiovascular phenotype. Identifiers: MedGen CN230736.

Allele frequency attached by ClinVar (database versions not stated): gnomAD exomes 0.00001; gnomAD 0.00003; TOPMed 0.00003.
gnomAD v4.1: 14 of 1,612,376 alleles (0.00087%); highest among the groups gnomAD compares: African/African-American, 0.0027%; no homozygotes.

Submissions (4):

Labcorp Genetics (formerly Invitae), Labcorp
Classification: Likely benign. Last evaluated: 2026-01-03. Review status: criteria provided, single submitter. Criteria: Invitae Variant Classification Sherloc (09022015). Collection method: clinical testing. Allele origin: germline.

Women's Health and Genetics/Laboratory Corporation of America, LabCorp
Classification: Likely benign. Last evaluated: 2025-11-10. Review status: criteria provided, single submitter. Criteria: LabCorp Variant Classification Summary - May 2015. Collection method: clinical testing. Allele origin: germline.

CeGaT Center for Human Genetics Tuebingen
Classification: Likely benign. Last evaluated: 2023-01-01. Review status: criteria provided, single submitter. Criteria: CeGaT Center For Human Genetics Tuebingen Variant Classification Criteria Version 2. Collection method: clinical testing. Allele origin: germline. Affected: yes. Observed: 1 variant allele.
Comment: TNXB: BP4, BP7

Ambry Genetics
Classification: Likely benign for Cardiovascular phenotype. Last evaluated: 2020-10-08. Review status: criteria provided, single submitter. Criteria: Ambry Variant Classification Scheme 2023. Collection method: clinical testing. Allele origin: germline.

NM_001365276.2(TNXB):c.9705C>T (p.Tyr3235=)

Gene: TNXB (tenascin XB; minus strand). Cytogenetic location: 6p21.33.
Variant type: single nucleotide variant.
Coding change: c.9705C>T on transcript NM_001365276.2 (MANE Select); coding-DNA position 9705, C replaced by T.
Protein change: p.Tyr3235=; no amino-acid change (tyrosine 3235 retained).
Molecular consequence: synonymous variant.
Genome position (GRCh38, 1-based): chr6:32,049,322, G>A on the plus strand (C>T on the coding strand, the complement: TNXB is on the minus strand). VCF-style: chr6-32049322-G-A. GRCh37 (hg19) VCF-style: chr6-32017099-G-A.
Other names: c.9699C>T, p.Tyr3233= (NM_019105.8).
Identifiers: ClinVar variation 1767818 (VCV001767818.31), dbSNP rs1250243557, ClinGen allele CA566694212.